The following is an entry in ClinVar:

NM_006613.4(GRAP):c.603C>T (p.Cys201=)

Genes: GRAP (GRB2 related adaptor protein; minus strand), SLC5A10 (solute carrier family 5 member 10; plus strand). Cytogenetic location: 17p11.2.
Variant type: single nucleotide variant.
Coding change: c.603C>T on transcript NM_006613.4 (MANE Select); coding-DNA position 603, C replaced by T.
Protein change: p.Cys201=; no amino-acid change (cysteine 201 retained).
Molecular consequence: synonymous variant. On other transcripts: missense variant (1), 3 prime UTR variant (4).
Genome position (GRCh38, 1-based): chr17:19,022,010, G>A on the plus strand (C>T on the coding strand, the complement: GRAP is on the minus strand). VCF-style: chr17-19022010-G-A. GRCh37 (hg19) VCF-style: chr17-18925323-G-A.
Other names: c.434C>T, p.Ala145Val (NM_001330148.2); c.*1579G>A (NM_001042450.4, NM_001270648.3, NM_001270649.2 and 1 more transcripts); short protein forms A145V.
Identifiers: ClinVar variation 3043072 (VCV003043072.2), dbSNP rs369064348, ClinGen allele CA8437093.

ClinVar aggregate classification (germline): Likely benign (0 of 4 stars; one submission).

Conditions:
GRAP-related disorder. Also called: GRAP-related condition.

Allele frequency attached by ClinVar (database versions not stated): gnomAD exomes 0.00002; ExAC 0.00012; ESP Exome Variant Server 0.00015; gnomAD 0.00019; TOPMed 0.00019.
gnomAD v4.1: 59 of 1,595,622 alleles (0.0037%); highest among the groups gnomAD compares: African/African-American, 0.058%; no homozygotes.

Submission:

PreventionGenetics, part of Exact Sciences
Classification: Likely benign for GRAP-related condition. Last evaluated: 2019-06-28. Review status: no assertion criteria provided. Collection method: clinical testing. Allele origin: germline.
Comment: This variant is classified as likely benign based on ACMG/AMP sequence variant interpretation guidelines (Richards et al. 2015 PMID: 25741868, with internal and published modifications).